The following is an entry in ClinVar:

NM_207122.2(EXT2):c.899_910dup (p.His303_Gln304insArgHisLysHis)

Gene: EXT2 (exostosin glycosyltransferase 2; plus strand). Cytogenetic location: 11p11.2.
Variant type: Duplication.
Coding change: c.899_910dup on transcript NM_207122.2 (MANE Select); coding-DNA positions 899 to 910, 12 bases duplicated (GCCACAAGCACC).
Protein change: p.His303_Gln304insArgHisLysHis.
Molecular consequence: inframe insertion.
Genome position (GRCh38, 1-based): chr11:44,124,944-44,124,955, GCCACAAGCACC duplicated. VCF-style (leftmost placement, unchanged base first): chr11-44124943-T-TGCCACAAGCACC. GRCh37 (hg19) VCF-style: chr11-44146493-T-TGCCACAAGCACC.
Other names: c.998_1009dup, p.His336_Gln337insArgHisLysHis (NM_000401.3); c.899_910dup, p.His303_Gln304insArgHisLysHis (NM_001178083.3, NM_001389628.1, NM_001389630.1).
Identifiers: ClinVar variation 1943931 (VCV001943931.6), dbSNP rs760147479, ClinGen allele CA5955028.

ClinVar aggregate classification (germline): Uncertain significance. Review status: criteria provided, multiple submitters, no conflicts (2 of 4 stars). 2 submissions from 2 submitters: Uncertain significance (2). Last evaluated 2023-08-18.

Conditions:
Exostoses, multiple, type 2 (EXT2). Also called: Hereditary Multiple Osteochondromatosis, Type II; EXOSTOSES, MULTIPLE, TYPE II. Identifiers: Orphanet 321, MedGen C1851413, MONDO:0007586, OMIM 133701.

Allele frequency attached by ClinVar (database versions not stated): gnomAD exomes below 0.00001; ExAC 0.00001.

Submissions (2):

Baylor Genetics
Classification: Uncertain significance for Exostoses, multiple, type 2. Last evaluated: 2023-08-18. Review status: criteria provided, single submitter. Criteria: ACMG Guidelines, 2015. Collection method: clinical testing. Allele origin: unknown.

Labcorp Genetics (formerly Invitae), Labcorp
Classification: Uncertain significance for Exostoses, multiple, type 2. Last evaluated: 2022-08-30. Review status: criteria provided, single submitter. Criteria: Invitae Variant Classification Sherloc (09022015). Collection method: clinical testing. Allele origin: germline.
Comment: This variant is present in population databases (rs760147479, gnomAD 0.0009%). This variant, c.899_910dup, results in the insertion of 4 amino acid(s) of the EXT2 protein (p.His303_Gln304insArgHisLysHis), but otherwise preserves the integrity of the reading frame. This variant has not been reported in the literature in individuals affected with EXT2-related conditions. In summary, the available evidence is currently insufficient to determine the role of this variant in disease. Therefore, it has been classified as a Variant of Uncertain Significance.